The following is an entry in ClinVar:

ClinVar aggregate classification (germline): Likely benign (1 of 4 stars; one submission).

Allele frequency attached by ClinVar (database versions not stated): gnomAD exomes 0.00001.
gnomAD v4.1: 3 of 1,394,930 alleles (0.00022%); highest among the groups gnomAD compares: Non-Finnish European, 0.0003%; no homozygotes.

Submission:

GeneDx
Classification: Likely benign. Last evaluated: 2015-12-31. Review status: criteria provided, single submitter. Criteria: GeneDx Variant Classification (06012015). Collection method: clinical testing. Allele origin: germline. Affected: yes.
Comment: This variant is considered likely benign or benign based on one or more of the following criteria: it is a conservative change, it occurs at a poorly conserved position in the protein, it is predicted to be benign by multiple in silico algorithms, and/or has population frequency not consistent with disease.

NM_001365536.1(SCN9A):c.467+12T>A

Gene: SCN9A (sodium voltage-gated channel alpha subunit 9; minus strand). Cytogenetic location: 2q24.3.
Variant type: single nucleotide variant.
Coding change: c.467+12T>A on transcript NM_001365536.1 (MANE Select); 12 bases into the intron after coding-DNA position 467, T replaced by A.
Molecular consequence: intron variant.
Genome position (GRCh38, 1-based): chr2:166,306,498, A>T on the plus strand (T>A on the coding strand, the complement: SCN9A is on the minus strand). VCF-style: chr2-166306498-A-T. GRCh37 (hg19) VCF-style: chr2-167163008-A-T.
Other names: c.467+12T>A (NM_002977.4).
Identifiers: ClinVar variation 382223 (VCV000382223.1), dbSNP rs1057521285, ClinGen allele CA16603970.